The following is an entry in ClinVar:

ClinVar aggregate classification (germline): Uncertain significance. Review status: criteria provided, multiple submitters, no conflicts (2 of 4 stars). 2 submissions from 2 submitters: Uncertain significance (2). Last evaluated 2026-03-20.

Conditions:
Hereditary cancer-predisposing syndrome. Also called: Hereditary Cancer Syndrome; Tumor predisposition; Hereditary neoplastic syndrome; Neoplastic Syndromes, Hereditary. Identifiers: Orphanet 140162, MedGen C0027672, MeSH D009386, MONDO:0015356.
Multiple endocrine neoplasia, type 1 (MEN1). Also called: Endocrine adenomatosis multiple; MEN 1; MEA I; MEN I; WERMER SYNDROME. Identifiers: Orphanet 652, MedGen C0025267, MeSH D018761, MONDO:0007540, OMIM 131100.

Submissions (2):

Ambry Genetics
Classification: Uncertain significance for Hereditary cancer-predisposing syndrome. Last evaluated: 2026-03-20. Review status: criteria provided, single submitter. Criteria: Ambry Variant Classification Scheme 2023. Collection method: clinical testing. Allele origin: germline.
Comment: The p.T210R variant (also known as c.629C>G), located in coding exon 2 of the MEN1 gene, results from a C to G substitution at nucleotide position 629. The threonine at codon 210 is replaced by arginine, an amino acid with similar properties. This amino acid position is highly conserved in available vertebrate species. In addition, this alteration is predicted to be deleterious by in silico analysis. Based on the available evidence, the clinical significance of this variant remains unclear.

Labcorp Genetics (formerly Invitae), Labcorp
Classification: Uncertain significance for Multiple endocrine neoplasia, type 1. Last evaluated: 2023-11-24. Review status: criteria provided, single submitter. Criteria: Invitae Variant Classification Sherloc (09022015). Collection method: clinical testing. Allele origin: germline.
Comment: This sequence change replaces threonine, which is neutral and polar, with arginine, which is basic and polar, at codon 210 of the MEN1 protein (p.Thr210Arg). This variant is not present in population databases (gnomAD no frequency). This variant has not been reported in the literature in individuals affected with MEN1-related conditions. ClinVar contains an entry for this variant (Variation ID: 403847). Advanced modeling of protein sequence and biophysical properties (such as structural, functional, and spatial information, amino acid conservation, physicochemical variation, residue mobility, and thermodynamic stability) performed at Invitae indicates that this missense variant is expected to disrupt MEN1 protein function with a positive predictive value of 95%. In summary, the available evidence is currently insufficient to determine the role of this variant in disease. Therefore, it has been classified as a Variant of Uncertain Significance.

NM_001370259.2(MEN1):c.629C>G (p.Thr210Arg)

Gene: MEN1 (menin 1; minus strand). Cytogenetic location: 11q13.1.
Variant type: single nucleotide variant.
Coding change: c.629C>G on transcript NM_001370259.2 (MANE Select); coding-DNA position 629, C replaced by G.
Protein change: p.Thr210Arg; replaces threonine 210 with arginine.
Molecular consequence: missense variant. On other transcripts: intron variant (2).
Genome position (GRCh38, 1-based): chr11:64,807,916, G>C on the plus strand (C>G on the coding strand, the complement: MEN1 is on the minus strand). VCF-style: chr11-64807916-G-C. GRCh37 (hg19) VCF-style: chr11-64575388-G-C.
Other names: c.644C>G, p.Thr215Arg (NM_000244.4, NM_130800.3, NM_130801.3 and 3 more transcripts); c.629C>G, p.Thr210Arg (NM_001370251.2, NM_001370260.2, NM_001370261.2 and 1 more transcripts); c.549+80C>G (NM_001370263.2, NM_001370262.2); short protein forms T210R, T215R.
Identifiers: ClinVar variation 403847 (VCV000403847.7), dbSNP rs756287855, ClinGen allele CA16613473.